The following is an entry in ClinVar:

NM_021831.6(AGBL5):c.239G>A (p.Arg80Gln)

Gene: AGBL5 (AGBL carboxypeptidase 5; plus strand). Cytogenetic location: 2p23.3.
Variant type: single nucleotide variant.
Coding change: c.239G>A on transcript NM_021831.6 (MANE Select); coding-DNA position 239, G replaced by A.
Protein change: p.Arg80Gln; replaces arginine 80 with glutamine.
Molecular consequence: missense variant. On other transcripts: non-coding transcript variant (2).
Genome position (GRCh38, 1-based): chr2:27,053,425, G>A. VCF-style: chr2-27053425-G-A. GRCh37 (hg19) VCF-style: chr2-27276293-G-A.
Other names: c.239G>A, p.Arg80Gln (NM_001035507.3); short protein forms R80Q.
Identifiers: ClinVar variation 967211 (VCV000967211.12), dbSNP rs373073782, ClinGen allele CA1567595.

ClinVar aggregate classification (germline): Uncertain significance. Review status: criteria provided, multiple submitters, no conflicts (2 of 4 stars). 4 submissions from 4 submitters: Uncertain significance (3). 1 of the submissions does not count toward it. Last evaluated 2024-11-04.

Conditions:
Retinal dystrophy. Also called: Inherited retinal dystrophy. Identifiers: Orphanet 71862, MedGen C0854723, MeSH D058499, MONDO:0019118, HP:0000556.
Inborn genetic diseases. Identifiers: MedGen C0950123, MeSH D030342.

Allele frequency attached by ClinVar (database versions not stated): TOPMed 0.00007; ESP Exome Variant Server 0.00008; gnomAD 0.00009 and 0.00010; gnomAD exomes 0.00013; ExAC 0.00014; 1000 Genomes Project 30x 0.00016; 1000 Genomes Project 0.00020.

Submissions (6):

Blueprint Genetics
Classification: Uncertain significance. Last evaluated: 2024-11-04. Review status: criteria provided, single submitter. Criteria: ACMG Guidelines, 2015. Collection method: clinical testing. Allele origin: germline.

Labcorp Genetics (formerly Invitae), Labcorp
Classification: Uncertain significance. Last evaluated: 2024-11-04. Review status: criteria provided, single submitter. Criteria: Invitae Variant Classification Sherloc (09022015). Collection method: clinical testing. Allele origin: germline.
Comment: This sequence change replaces arginine, which is basic and polar, with glutamine, which is neutral and polar, at codon 80 of the AGBL5 protein (p.Arg80Gln). This variant is present in population databases (rs373073782, gnomAD 0.03%). This variant has not been reported in the literature in individuals affected with AGBL5-related conditions. ClinVar contains an entry for this variant (Variation ID: 967211). An algorithm developed to predict the effect of missense changes on protein structure and function (PolyPhen-2) suggests that this variant¬†is likely to be tolerated. In summary, the available evidence is currently insufficient to determine the role of this variant in disease. Therefore, it has been classified as a Variant of Uncertain Significance.

Ambry Genetics
Classification: Uncertain significance for Inborn genetic diseases. Last evaluated: 2022-12-28. Review status: criteria provided, single submitter. Criteria: Ambry Variant Classification Scheme 2023. Collection method: clinical testing. Allele origin: germline.

Institute of Human Genetics, Univ. Regensburg, Univ. Regensburg
Classification: Likely benign for Retinal dystrophy. Last evaluated: 2019-01-01. Review status: no assertion criteria provided. Criteria: ACMG Guidelines, 2015. Collection method: clinical testing. Allele origin: germline. Affected: yes. Not counted in ClinVar's aggregate classification.

Dr. Peter K. Rogan Lab, Western University
No classification provided (evidence only). Condition: Ovarian serous cystadenocarcinoma. Review status: no classification provided. Collection method: in vitro. Allele origin: not applicable. Functional consequence: retained intron. Not counted in ClinVar's aggregate classification.

Dr. Peter K. Rogan Lab, Western University
No classification provided (evidence only). Condition: Malignant tumor of esophagus. Review status: no classification provided. Collection method: in vitro. Allele origin: not applicable. Functional consequence: retained intron. Not counted in ClinVar's aggregate classification.